The following is an entry in ClinVar:

ClinVar aggregate classification (germline): Uncertain significance. Review status: criteria provided, multiple submitters, no conflicts (2 of 4 stars). 5 submissions from 5 submitters: Uncertain significance (5). Last evaluated 2025-09-27.

Conditions:
Hereditary cancer-predisposing syndrome. Also called: Hereditary neoplastic syndrome; Neoplastic Syndromes, Hereditary; Tumor predisposition; Hereditary Cancer Syndrome. Identifiers: Orphanet 140162, MedGen C0027672, MeSH D009386, MONDO:0015356.
Familial cancer of breast. Also called: Hereditary breast cancer; hereditary breast carcinoma; BREAST CANCER, FAMILIAL. Identifiers: Orphanet 227535, MedGen C0346153, MONDO:0016419, OMIM 114480. Disease mechanism: loss of function.
Ataxia-telangiectasia syndrome (AT). Also called: Ataxia telangiectasia (A-T); LOUIS-BAR SYNDROME; Cerebello-oculocutaneous telangiectasia; Immunodeficiency with ataxia telangiectasia; Ataxia-telangiectasia, complementation group D; AT, COMPLEMENTATION GROUP C. Identifiers: Orphanet 100, MedGen C0004135, MONDO:0008840, OMIM 208900.

Allele frequency attached by ClinVar (database versions not stated): gnomAD exomes below 0.00001; TOPMed below 0.00001; ExAC 0.00001.
gnomAD v4.1: 2 of 1,614,026 alleles (0.00012%); highest among the groups gnomAD compares: Non-Finnish European, 0.00017%; no homozygotes.

Submissions (5):

Labcorp Genetics (formerly Invitae), Labcorp
Classification: Uncertain significance for Ataxia-telangiectasia syndrome. Last evaluated: 2025-09-27. Review status: criteria provided, single submitter. Criteria: Invitae Variant Classification Sherloc (09022015). Collection method: clinical testing. Allele origin: germline.
Comment: This sequence change replaces alanine, which is neutral and non-polar, with glycine, which is neutral and non-polar, at codon 1079 of the ATM protein (p.Ala1079Gly). This variant is present in population databases (rs778233602, gnomAD 0.0009%). This variant has not been reported in the literature in individuals affected with ATM-related conditions. ClinVar contains an entry for this variant (Variation ID: 407615). Invitae Evidence Modeling of protein sequence and biophysical properties (such as structural, functional, and spatial information, amino acid conservation, physicochemical variation, residue mobility, and thermodynamic stability) indicates that this missense variant is not expected to disrupt ATM protein function with a negative predictive value of 95%. In summary, the available evidence is currently insufficient to determine the role of this variant in disease. Therefore, it has been classified as a Variant of Uncertain Significance.

Ambry Genetics
Classification: Uncertain significance for Hereditary cancer-predisposing syndrome. Last evaluated: 2024-03-18. Review status: criteria provided, single submitter. Criteria: Ambry Variant Classification Scheme 2023. Collection method: clinical testing. Allele origin: germline.
Comment: The p.A1079G variant (also known as c.3236C>G), located in coding exon 21 of the ATM gene, results from a C to G substitution at nucleotide position 3236. The alanine at codon 1079 is replaced by glycine, an amino acid with similar properties. This amino acid position is highly conserved in available vertebrate species. In addition, the in silico prediction for this alteration is inconclusive. Since supporting evidence is limited at this time, the clinical significance of this alteration remains unclear.

Baylor Genetics
Classification: Uncertain significance for Familial cancer of breast. Last evaluated: 2024-02-16. Review status: criteria provided, single submitter. Criteria: ACMG Guidelines, 2015. Collection method: clinical testing. Allele origin: unknown.

Color Diagnostics, LLC DBA Color Health
Classification: Uncertain significance for Hereditary cancer-predisposing syndrome. Last evaluated: 2023-02-17. Review status: criteria provided, single submitter. Criteria: ACMG Guidelines, 2015. Collection method: clinical testing. Allele origin: germline.
Comment: This missense variant replaces alanine with glycine at codon 1079 of the ATM protein. Computational prediction suggests that this variant may not impact protein structure and function (internally defined REVEL score threshold <= 0.5, PMID: 27666373). To our knowledge, functional studies have not been reported for this variant. This variant has not been reported in individuals affected with ATM-related disorders in the literature. This variant has been identified in 1/251296 chromosomes in the general population by the Genome Aggregation Database (gnomAD). The available evidence is insufficient to determine the role of this variant in disease conclusively. Therefore, this variant is classified as a Variant of Uncertain Significance.

Quest Diagnostics Nichols Institute San Juan Capistrano
Classification: Uncertain significance. Last evaluated: 2021-08-09. Review status: criteria provided, single submitter. Criteria: Quest Diagnostics criteria. Collection method: clinical testing. Allele origin: unknown.

Literature cited by the submitters: PubMed 29684080 (cited by Ambry Genetics).

NM_000051.4(ATM):c.3236C>G (p.Ala1079Gly)

Gene: ATM (ATM serine/threonine kinase; plus strand). Cytogenetic location: 11q22.3.
Variant type: single nucleotide variant.
Coding change: c.3236C>G on transcript NM_000051.4 (MANE Select); coding-DNA position 3236, C replaced by G.
Protein change: p.Ala1079Gly; replaces alanine 1079 with glycine.
Molecular consequence: missense variant.
Genome position (GRCh38, 1-based): chr11:108,272,804, C>G. VCF-style: chr11-108272804-C-G. GRCh37 (hg19) VCF-style: chr11-108143531-C-G.
Other names: c.3236C>G, p.Ala1079Gly (NM_001351834.2); short protein forms A1079G.
Identifiers: ClinVar variation 407615 (VCV000407615.21), dbSNP rs778233602, ClinGen allele CA6265229.